The following is an entry in ClinVar:

NM_000059.4(BRCA2):c.921T>A (p.Ser307Arg)

Gene: BRCA2 (BRCA2 DNA repair associated; plus strand). Cytogenetic location: 13q13.1.
Variant type: single nucleotide variant.
Coding change: c.921T>A on transcript NM_000059.4 (MANE Select); coding-DNA position 921, T replaced by A.
Protein change: p.Ser307Arg; replaces serine 307 with arginine.
Molecular consequence: missense variant.
Genome position (GRCh38, 1-based): chr13:32,332,399, T>A. VCF-style: chr13-32332399-T-A. GRCh37 (hg19) VCF-style: chr13-32906536-T-A.
Other names: short protein forms S307R.
Identifiers: ClinVar variation 923311 (VCV000923311.16), dbSNP rs1555281636, ClinGen allele CA387760734.

ClinVar aggregate classification (germline): Conflicting classifications of pathogenicity. Review status: criteria provided, conflicting classifications (1 of 4 stars). 5 submissions from 5 submitters: Uncertain significance (4); Likely benign (1). Last evaluated 2025-08-07.

Conditions:
Hereditary cancer-predisposing syndrome. Also called: Neoplastic Syndromes, Hereditary; Tumor predisposition; Hereditary Cancer Syndrome; Hereditary neoplastic syndrome. Identifiers: Orphanet 140162, MedGen C0027672, MeSH D009386, MONDO:0015356.
Hereditary breast ovarian cancer syndrome. Also called: BRCA1- and BRCA2-Associated Hereditary Breast and Ovarian Cancer; Hereditary breast and ovarian cancer syndrome; Hereditary breast and ovarian cancer; Hereditary breast and ovarian cancer syndrome (HBOC); Breast and ovarian cancer; Hereditary breast and/or ovarian cancer syndrome. Identifiers: Orphanet 145, MedGen C0677776, MeSH D061325, MONDO:0003582. Disease mechanism: loss of function.

Submissions (5):

Ambry Genetics
Classification: Uncertain significance for Hereditary cancer-predisposing syndrome. Last evaluated: 2025-08-07. Review status: criteria provided, single submitter. Criteria: Ambry Variant Classification Scheme 2023. Collection method: clinical testing. Allele origin: germline.

GeneDx
Classification: Uncertain significance. Last evaluated: 2024-03-12. Review status: criteria provided, single submitter. Criteria: GeneDx Variant Classification Process June 2021. Collection method: clinical testing. Allele origin: germline. Affected: yes.
Comment: Not observed at significant frequency in large population cohorts (gnomAD); In silico analysis supports that this missense variant does not alter protein structure/function; Has not been previously published as pathogenic or benign to our knowledge; Also known as 1149T>A

Labcorp Genetics (formerly Invitae), Labcorp
Classification: Uncertain significance for Hereditary breast ovarian cancer syndrome. Last evaluated: 2023-12-14. Review status: criteria provided, single submitter. Criteria: Invitae Variant Classification Sherloc (09022015). Collection method: clinical testing. Allele origin: germline.
Comment: This sequence change replaces serine, which is neutral and polar, with arginine, which is basic and polar, at codon 307 of the BRCA2 protein (p.Ser307Arg). This variant is not present in population databases (gnomAD no frequency). This variant has not been reported in the literature in individuals affected with BRCA2-related conditions. ClinVar contains an entry for this variant (Variation ID: 923311). Advanced modeling of protein sequence and biophysical properties (such as structural, functional, and spatial information, amino acid conservation, physicochemical variation, residue mobility, and thermodynamic stability) performed at Invitae indicates that this missense variant is not expected to disrupt BRCA2 protein function with a negative predictive value of 95%. In summary, the available evidence is currently insufficient to determine the role of this variant in disease. Therefore, it has been classified as a Variant of Uncertain Significance.

Color Diagnostics, LLC DBA Color Health
Classification: Uncertain significance for Hereditary cancer-predisposing syndrome. Last evaluated: 2023-12-05. Review status: criteria provided, single submitter. Criteria: ACMG Guidelines, 2015. Collection method: clinical testing. Allele origin: germline.
Comment: This missense variant replaces serine with arginine at codon 307 of the BRCA2 protein. Computational prediction tools and conservation analyses are inconclusive regarding the impact of this variant on the protein function. Computational splicing tools suggest that this variant may not impact RNA splicing. To our knowledge, functional assays have not been performed for this variant nor has this variant been reported in individuals affected with hereditary cancer in the literature. This variant has not been identified in the general population by the Genome Aggregation Database (gnomAD). Available evidence is insufficient to determine the role of this variant in disease conclusively. Therefore, this variant is classified as a Variant of Uncertain Significance.

University of Washington Department of Laboratory Medicine, University of Washington
Classification: Likely benign for Hereditary cancer-predisposing syndrome. Last evaluated: 2023-03-23. Review status: criteria provided, single submitter. Criteria: Dines et al. (Genet Med. 2020). Collection method: curation. Allele origin: germline.
Comment: Missense variant in a coldspot region where missense variants are very unlikely to be pathogenic (PMID:31911673).

BRCA2 exon 10 coldspot. Reclassification based on statistical prior probability.